The following is an entry in ClinVar:

ClinVar aggregate classification (germline): Uncertain significance (1 of 4 stars; one submission).

Conditions:
DSPP-related disorder. Also called: DSPP-related condition.

gnomAD v4.1: 3 of 1,614,022 alleles (0.00019%); highest among the groups gnomAD compares: Non-Finnish European, 0.00025%; no homozygotes.

Submission:

PreventionGenetics, part of Exact Sciences
Classification: Uncertain significance for DSPP-related condition. Last evaluated: 2025-12-15. Review status: criteria provided, single submitter. Criteria: ACMG Guidelines, 2015. Collection method: clinical testing. Allele origin: germline.
Comment: The DSPP c.1189G>A variant is predicted to result in the amino acid substitution p.Glu397Lys. To our knowledge, this variant has not been reported in the literature. This variant is reported in 0.0018% of alleles in individuals of European (Non-Finnish) descent in gnomAD. At this time, the clinical significance of this variant is uncertain due to the absence of conclusive functional and genetic evidence.

NM_014208.3(DSPP):c.1189G>A (p.Glu397Lys)

Genes: DMP1-AS1 (DMP1 and DSPP antisense RNA 1; minus strand), DSPP (dentin sialophosphoprotein; plus strand). Cytogenetic location: 4q22.1.
Variant type: single nucleotide variant.
Coding change: c.1189G>A on transcript NM_014208.3 (MANE Select); coding-DNA position 1189, G replaced by A.
Protein change: p.Glu397Lys; replaces glutamic acid 397 with lysine.
Molecular consequence: missense variant.
Genome position (GRCh38, 1-based): chr4:87,613,851, G>A. VCF-style: chr4-87613851-G-A. GRCh37 (hg19) VCF-style: chr4-88535003-G-A.
Other names: short protein forms E397K.
Identifiers: ClinVar variation 4991873 (VCV004991873.1).